The following is an entry in ClinVar:

NM_015665.6(AAAS):c.903A>C (p.Lys301Asn)

Gene: AAAS (aladin WD repeat nucleoporin; minus strand). Cytogenetic location: 12q13.13.
Variant type: single nucleotide variant.
Coding change: c.903A>C on transcript NM_015665.6 (MANE Select); coding-DNA position 903, A replaced by C.
Protein change: p.Lys301Asn; replaces lysine 301 with asparagine.
Molecular consequence: missense variant.
Genome position (GRCh38, 1-based): chr12:53,309,189, T>G on the plus strand (A>C on the coding strand, the complement: AAAS is on the minus strand). VCF-style: chr12-53309189-T-G. GRCh37 (hg19) VCF-style: chr12-53702973-T-G.
Other names: c.804A>C, p.Lys268Asn (NM_001173466.2); short protein forms K268N, K301N.
Identifiers: ClinVar variation 3769234 (VCV003769234.2).

ClinVar aggregate classification (germline): Uncertain significance (1 of 4 stars; one submission).

Submission:

Women's Health and Genetics/Laboratory Corporation of America, LabCorp
Classification: Uncertain significance. Last evaluated: 2025-01-07. Review status: criteria provided, single submitter. Criteria: LabCorp Variant Classification Summary - May 2015. Collection method: clinical testing. Allele origin: germline.
Comment: Variant summary: AAAS c.903A>C (p.Lys301Asn) results in a non-conservative amino acid change located in the WD40 repeats domain of the encoded protein sequence. Five of five in-silico tools predict a damaging effect of the variant on protein function. The variant allele was found at a frequency of 4e-06 in 251484 control chromosomes. The available data on variant occurrences in the general population are insufficient to allow any conclusion about variant significance. c.903A>C has been reported in the literature in individuals affected with Glucocorticoid Deficiency With Achalasia. These data do not allow any conclusion about variant significance. To our knowledge, no experimental evidence demonstrating an impact on protein function has been reported. The following publication have been ascertained in the context of this evaluation (PMID: 26007668). No submitters have cited clinical-significance assessments for this variant to ClinVar. Based on the evidence outlined above, the variant was classified as uncertain significance.

Literature cited by the submitters: PubMed 26007668.